The following is an entry in ClinVar:

NM_004836.7(EIF2AK3):c.3287G>A (p.Ser1096Asn)

Genes: EIF2AK3 (eukaryotic translation initiation factor 2 alpha kinase 3; minus strand), EIF2AK3-AS1 (EIF2AK3 antisense RNA 1; plus strand). Cytogenetic location: 2p11.2.
Variant type: single nucleotide variant.
Coding change: c.3287G>A on transcript NM_004836.7 (MANE Select); coding-DNA position 3287, G replaced by A.
Protein change: p.Ser1096Asn; replaces serine 1096 with asparagine.
Molecular consequence: missense variant.
Genome position (GRCh38, 1-based): chr2:88,557,800, C>T on the plus strand (G>A on the coding strand, the complement: EIF2AK3 is on the minus strand). VCF-style: chr2-88557800-C-T. GRCh37 (hg19) VCF-style: chr2-88857318-C-T.
Other names: c.2834G>A, p.Ser945Asn (NM_001313915.2); short protein forms S1096N, S945N.
Identifiers: ClinVar variation 1376027 (VCV001376027.6), dbSNP rs762080456, ClinGen allele CA51470090.
Genomic context (GRCh38, chr2:88,557,800, plus strand): 5'-TTGCTTGGCAAAGGGCTATGGGAGTTGTTGGACTGTCTTGAATGTTTTGTTCCCGATGAA[C>T]TCAAGGAGCGAGACCTCTGTCTGAGCACTGTTTTTCCTGGAAAGTCCAAGTCCTCAAATA-3'
Protein context (NP_004827.4, residues 1086-1106): TVLRQRSRSL[Ser1096Asn]SSGTKHSRQS

ClinVar aggregate classification (germline): Uncertain significance. Review status: criteria provided, multiple submitters, no conflicts (2 of 4 stars). 2 submissions from 2 submitters: Uncertain significance (2). Last evaluated 2022-02-20.

Conditions:
Wolcott-Rallison dysplasia. Also called: Wolcott-Rallison syndrome; MED-IDDM SYNDROME. Identifiers: Orphanet 1667, MedGen C0432217, MONDO:0009192, OMIM 226980.

Allele frequency attached by ClinVar (database versions not stated): gnomAD 0.00001; gnomAD exomes 0.00001 and 0.00002; TOPMed 0.00002.

Submissions (2):

Labcorp Genetics (formerly Invitae), Labcorp
Classification: Uncertain significance. Last evaluated: 2022-02-20. Review status: criteria provided, single submitter. Criteria: Invitae Variant Classification Sherloc (09022015). Collection method: clinical testing. Allele origin: germline.
Comment: This sequence change replaces serine, which is neutral and polar, with asparagine, which is neutral and polar, at codon 1096 of the EIF2AK3 protein (p.Ser1096Asn). This variant is present in population databases (rs762080456, gnomAD 0.002%). This variant has not been reported in the literature in individuals affected with EIF2AK3-related conditions. Algorithms developed to predict the effect of missense changes on protein structure and function are either unavailable or do not agree on the potential impact of this missense change (SIFT: "Tolerated"; PolyPhen-2: "Probably Damaging"; Align-GVGD: "Class C0"). In summary, the available evidence is currently insufficient to determine the role of this variant in disease. Therefore, it has been classified as a Variant of Uncertain Significance.

Fulgent Genetics
Classification: Uncertain significance for Wolcott-Rallison dysplasia. Last evaluated: 2021-09-13. Review status: criteria provided, single submitter. Criteria: ACMG Guidelines, 2015. Collection method: clinical testing. Allele origin: unknown.